The following is an entry in ClinVar:

NM_138425.4(C12orf57):c.61G>A (p.Ala21Thr)

Gene: C12orf57 (chromosome 12 open reading frame 57; plus strand). Cytogenetic location: 12p13.31.
Variant type: single nucleotide variant.
Coding change: c.61G>A on transcript NM_138425.4 (MANE Select); coding-DNA position 61, G replaced by A.
Protein change: p.Ala21Thr; replaces alanine 21 with threonine.
Molecular consequence: missense variant. On other transcripts: 5 prime UTR variant (1), non-coding transcript variant (1).
Genome position (GRCh38, 1-based): chr12:6,944,484, G>A. VCF-style: chr12-6944484-G-A. GRCh37 (hg19) VCF-style: chr12-7053647-G-A.
Other names: c.61G>A, p.Ala21Thr (NM_001301834.1, NM_001301837.2); c.22G>A, p.Ala8Thr (NM_001301836.2); c.-45G>A (NM_001301838.2); short protein forms A8T, A21T.
Identifiers: ClinVar variation 944318 (VCV000944318.7), dbSNP rs142743155, ClinGen allele CA6421248.

ClinVar aggregate classification (germline): Uncertain significance (1 of 4 stars; one submission).

Conditions:
Temtamy syndrome (TEMTYS). Also called: MENTAL RETARDATION WITH OR WITHOUT CRANIOFACIAL DYSMORPHISM, OCULAR COLOBOMA, OR ABNORMAL CORPUS CALLOSUM. Identifiers: Orphanet 1777, MedGen C1857512, MONDO:0009033, OMIM 218340.

Allele frequency attached by ClinVar (database versions not stated): gnomAD 0.00005 and 0.00006; gnomAD exomes 0.00006; ExAC 0.00008; TOPMed 0.00008; ESP Exome Variant Server 0.00015.
gnomAD v4.1: 94 of 1,612,054 alleles (0.0058%); highest among the groups gnomAD compares: Non-Finnish European, 0.0072%; 1 homozygote.

Submission:

Labcorp Genetics (formerly Invitae), Labcorp
Classification: Uncertain significance for Temtamy syndrome. Last evaluated: 2022-07-19. Review status: criteria provided, single submitter. Criteria: Invitae Variant Classification Sherloc (09022015). Collection method: clinical testing. Allele origin: germline.
Comment: This sequence change replaces alanine, which is neutral and non-polar, with threonine, which is neutral and polar, at codon 21 of the C12orf57 protein (p.Ala21Thr). This variant is present in population databases (rs142743155, gnomAD 0.01%). This variant has not been reported in the literature in individuals affected with C12orf57-related conditions. ClinVar contains an entry for this variant (Variation ID: 944318). Algorithms developed to predict the effect of missense changes on protein structure and function are either unavailable or do not agree on the potential impact of this missense change (SIFT: "Tolerated"; PolyPhen-2: "Possibly Damaging"; Align-GVGD: "Class C0"). In summary, the available evidence is currently insufficient to determine the role of this variant in disease. Therefore, it has been classified as a Variant of Uncertain Significance.